The following is an entry in ClinVar:

NM_130384.3(ATRIP):c.2267G>A (p.Ser756Asn)

Genes: ATRIP (ATR interacting protein; plus strand), ATRIP-TREX1 (ATRIP-TREX1 readthrough; plus strand). Cytogenetic location: 3p21.31.
Variant type: single nucleotide variant.
Coding change: c.2267G>A on transcript NM_130384.3 (MANE Select); coding-DNA position 2267, G replaced by A.
Protein change: p.Ser756Asn; replaces serine 756 with asparagine.
Molecular consequence: missense variant. On other transcripts: non-coding transcript variant (1).
Genome position (GRCh38, 1-based): chr3:48,465,042, G>A. VCF-style: chr3-48465042-G-A. GRCh37 (hg19) VCF-style: chr3-48506441-G-A.
Other names: c.1886G>A, p.Ser629Asn (NM_001271022.2); c.1988G>A, p.Ser663Asn (NM_001271023.2); c.2186G>A, p.Ser729Asn (NM_032166.4); short protein forms S629N, S729N, S756N, S663N.
Identifiers: ClinVar variation 4644528 (VCV004644528.1).

ClinVar aggregate classification (germline): Uncertain significance (1 of 4 stars; one submission).

gnomAD v4.1: 1 of 1,613,550 alleles (0.000062%); no homozygotes.

Submission:

Ambry Genetics
Classification: Uncertain significance. Last evaluated: 2025-10-06. Review status: criteria provided, single submitter. Criteria: Ambry Variant Classification Scheme 2023. Collection method: clinical testing. Allele origin: germline.
Comment: The p.S756N variant (also known as c.2267G>A), located in coding exon 12 of the ATRIP gene, results from a G to A substitution at nucleotide position 2267. The serine at codon 756 is replaced by asparagine, an amino acid with highly similar properties. This amino acid position is conserved. In addition, this alteration is predicted to be tolerated by in silico analysis. Based on the available evidence, the clinical significance of this variant remains unclear.